The following is an entry in ClinVar:

ClinVar aggregate classification (germline): Uncertain significance (1 of 4 stars; one submission).

Conditions:
Deficiency of aromatic-L-amino-acid decarboxylase. Also called: AADC DEFICIENCY; DDC DEFICIENCY; DOPA DECARBOXYLASE DEFICIENCY; Aromatic L-Amino Acid Decarboxylase Deficiency; Aromatic amino acid decarboxylase deficiency. Identifiers: Orphanet 35708, MedGen C1291564, MONDO:0012084, OMIM 608643.

Allele frequency attached by ClinVar (database versions not stated): ExAC 0.00001; gnomAD 0.00001.
gnomAD v4.1: 4 of 1,614,010 alleles (0.00025%); highest among the groups gnomAD compares: South Asian, 0.0022%; no homozygotes.

Submission:

Labcorp Genetics (formerly Invitae), Labcorp
Classification: Uncertain significance for Deficiency of aromatic-L-amino-acid decarboxylase. Last evaluated: 2022-03-26. Review status: criteria provided, single submitter. Criteria: Invitae Variant Classification Sherloc (09022015). Collection method: clinical testing. Allele origin: germline.
Comment: Algorithms developed to predict the effect of sequence changes on RNA splicing suggest that this variant may disrupt the consensus splice site. In summary, the available evidence is currently insufficient to determine the role of this variant in disease. Therefore, it has been classified as a Variant of Uncertain Significance. Algorithms developed to predict the effect of missense changes on protein structure and function output the following: SIFT: "Tolerated"; PolyPhen-2: "Benign"; Align-GVGD: "Class C0". The valine amino acid residue is found in multiple mammalian species, which suggests that this missense change does not adversely affect protein function. This variant has not been reported in the literature in individuals affected with DDC-related conditions. This variant is present in population databases (rs769369623, gnomAD 0.009%). This sequence change replaces isoleucine, which is neutral and non-polar, with valine, which is neutral and non-polar, at codon 63 of the DDC protein (p.Ile63Val).

NM_001082971.2(DDC):c.187A>G (p.Ile63Val)

Gene: DDC (dopa decarboxylase; minus strand). Cytogenetic location: 7p12.1.
Variant type: single nucleotide variant.
Coding change: c.187A>G on transcript NM_001082971.2 (MANE Select); coding-DNA position 187, A replaced by G.
Protein change: p.Ile63Val; replaces isoleucine 63 with valine.
Molecular consequence: missense variant.
Genome position (GRCh38, 1-based): chr7:50,543,899, T>C on the plus strand (A>G on the coding strand, the complement: DDC is on the minus strand). VCF-style: chr7-50543899-T-C. GRCh37 (hg19) VCF-style: chr7-50611597-T-C.
Other names: c.187A>G, p.Ile63Val (NM_000790.4, NM_001242886.2, NM_001242887.2 and 3 more transcripts); short protein forms I63V.
Identifiers: ClinVar variation 2117290 (VCV002117290.4), dbSNP rs769369623, ClinGen allele CA4262473.